The following is an entry in ClinVar:

NM_000038.6(APC):c.1979del (p.Asn660fs)

Gene: APC (APC regulator of Wnt signaling pathway; plus strand). Cytogenetic location: 5q22.2.
Variant type: Deletion.
Coding change: c.1979del on transcript NM_000038.6 (MANE Select); coding-DNA position 1979, one base deleted (A; older notation c.1979delA).
Protein change: p.Asn660fs; shifts the reading frame from asparagine 660.
Molecular consequence: frameshift variant.
Genome position (GRCh38, 1-based): chr5:112,837,573, A deleted; the last of 2 consecutive A bases (chr5:112,837,572-112,837,573); deleting either gives the same sequence. VCF-style (leftmost placement, unchanged base first): chr5-112837571-CA-C. GRCh37 (hg19) VCF-style: chr5-112173268-CA-C.
Other names: c.1979del, p.Asn660fs (NM_001127510.3, NM_001354895.2); c.1925del, p.Asn642fs (NM_001127511.3); c.2033del, p.Asn678fs (NM_001354896.2); c.2009del, p.Asn670fs (NM_001354897.2); c.1904del, p.Asn635fs (NM_001354898.2); c.1895del, p.Asn632fs (NM_001354899.2); c.1856del, p.Asn619fs (NM_001354900.2); c.1802del, p.Asn601fs (NM_001354901.2); and 5 more; short protein forms N660fs, N670fs, N377fs, N534fs, N601fs, N632fs, N678fs, N642fs.
Identifiers: ClinVar variation 659403 (VCV000659403.13), dbSNP rs1580617162, ClinGen allele CA915942613.

ClinVar aggregate classification (germline): Pathogenic. Review status: criteria provided, multiple submitters, no conflicts (2 of 4 stars). 3 submissions from 3 submitters: Pathogenic (3). Last evaluated 2025-03-31.

Conditions:
Hereditary cancer-predisposing syndrome. Also called: Hereditary neoplastic syndrome; Neoplastic Syndromes, Hereditary; Hereditary Cancer Syndrome; Tumor predisposition. Identifiers: Orphanet 140162, MedGen C0027672, MeSH D009386, MONDO:0015356.
Familial adenomatous polyposis 1 (FAP1). Also called: POLYPOSIS, ADENOMATOUS INTESTINAL; FAMILIAL ADENOMATOUS POLYPOSIS 1, ATTENUATED. Identifiers: MedGen C2713442, MONDO:0021056, OMIM 175100. Disease mechanism: loss of function.

Submissions (3):

Labcorp Genetics (formerly Invitae), Labcorp
Classification: Pathogenic for Familial adenomatous polyposis 1. Last evaluated: 2025-03-31. Review status: criteria provided, single submitter. Criteria: Invitae Variant Classification Sherloc (09022015). Collection method: clinical testing. Allele origin: germline.
Comment: This sequence change creates a premature translational stop signal (p.Asn660Thrfs*10) in the APC gene. While this is not anticipated to result in nonsense mediated decay, it is expected to disrupt the last 2184 amino acid(s) of the APC protein. This variant is not present in population databases (gnomAD no frequency). This variant has not been reported in the literature in individuals affected with APC-related conditions. ClinVar contains an entry for this variant (Variation ID: 659403). This variant is expected to disrupt the EB1 and HDLG binding sites, which mediate interactions with the cytoskeleton (PMID: 15311282, 17293347). While functional studies have not been performed to directly test the effect on APC protein function, this suggests that disruption of the C-terminal portion of the protein is functionally important. A different truncation (p.Tyr2645Lysfs*14) that lies downstream of this variant has been determined to be pathogenic (PMID: 9824584, 1316610, 27081525, 8381579, 22135120, internal data). This suggests that deletion of this region of the APC protein is causative of disease. For these reasons, this variant has been classified as Pathogenic.

Myriad Genetics, Inc.
Classification: Pathogenic for Familial adenomatous polyposis 1. Last evaluated: 2023-05-03. Review status: criteria provided, single submitter. Criteria: Myriad Autosomal Dominant, Autosomal Recessive and X-Linked Classification Criteria (2023). Collection method: clinical testing. Allele origin: unknown.
Comment: This variant is considered pathogenic. This variant creates a frameshift predicted to result in premature protein truncation.

Ambry Genetics
Classification: Pathogenic for Hereditary cancer-predisposing syndrome. Last evaluated: 2018-02-06. Review status: criteria provided, single submitter. Criteria: Ambry Variant Classification Scheme 2023. Collection method: clinical testing. Allele origin: germline.
Comment: The c.1979delA pathogenic mutation, located in coding exon 15 of the APC gene, results from a deletion of one nucleotide at nucleotide position 1979, causing a translational frameshift with a predicted alternate stop codon (p.N660Tfs*10). This alteration is expected to result in loss of function by premature protein truncation. As such, this alteration is interpreted as a disease-causing mutation.

Literature cited by the submitters: PubMed 15311282 (cited by Labcorp Genetics (formerly Invitae), Labcorp); PubMed 17293347 (cited by Labcorp Genetics (formerly Invitae), Labcorp); PubMed 9824584 (cited by Labcorp Genetics (formerly Invitae), Labcorp); PubMed 1316610 (cited by Labcorp Genetics (formerly Invitae), Labcorp); PubMed 27081525 (cited by Labcorp Genetics (formerly Invitae), Labcorp); PubMed 8381579 (cited by Labcorp Genetics (formerly Invitae), Labcorp); PubMed 22135120 (cited by Labcorp Genetics (formerly Invitae), Labcorp).